The following is an entry in ClinVar:

NM_001365276.2(TNXB):c.1834G>A (p.Val612Met)

Gene: TNXB (tenascin XB; minus strand). Cytogenetic location: 6p21.33.
Variant type: single nucleotide variant.
Coding change: c.1834G>A on transcript NM_001365276.2 (MANE Select); coding-DNA position 1834, G replaced by A.
Protein change: p.Val612Met; replaces valine 612 with methionine.
Molecular consequence: missense variant.
Genome position (GRCh38, 1-based): chr6:32,096,019, C>T on the plus strand (G>A on the coding strand, the complement: TNXB is on the minus strand). VCF-style: chr6-32096019-C-T. GRCh37 (hg19) VCF-style: chr6-32063796-C-T.
Other names: p.Val612Met; c.1834G>A, p.Val612Met (NM_019105.8); short protein forms V612M.
Identifiers: ClinVar variation 1722925 (VCV001722925.7), dbSNP rs368085612, ClinGen allele CA3735611.
Genomic context (GRCh38, chr6:32,096,019, plus strand): 5'-CACAGCGGCCCCTCCCGTGGCAGTTGGAGGGGCAGGTGCGGATGCTGCAGTCCTCACTCA[C>T]GTAGCCTTCCCAACAGATGCACACACCGTCCTGGCACACGCCGTGCTGGCTGCAGTCATT-3'
Protein context (NP_001352205.1, residues 602-622): DGVCICWEGY[Val612Met]SEDCSIRTCP

ClinVar aggregate classification (germline): Uncertain significance. Review status: criteria provided, multiple submitters, no conflicts (2 of 4 stars). 4 submissions from 4 submitters: Uncertain significance (4). Last evaluated 2025-12-26.

Conditions:
Cardiovascular phenotype. Identifiers: MedGen CN230736.

Allele frequency attached by ClinVar (database versions not stated): gnomAD 0.00001.
gnomAD v4.1: 2 of 1,612,924 alleles (0.00012%); highest among the groups gnomAD compares: Non-Finnish European, 0.00017%; no homozygotes.

Submissions (4):

Women's Health and Genetics/Laboratory Corporation of America, LabCorp
Classification: Uncertain significance. Last evaluated: 2025-12-26. Review status: criteria provided, single submitter. Criteria: LabCorp Variant Classification Summary - May 2015. Collection method: clinical testing. Allele origin: germline.
Comment: Variant summary: TNXB c.1834G>A (p.Val612Met) results in a conservative amino acid change in the encoded protein sequence. Algorithms developed to predict the effect of missense changes on protein structure and function all suggest that this variant is likely to be tolerated. The variant allele was found at a frequency of 4.1e-06 in 241530 control chromosomes. The available data on variant occurrences in the general population are insufficient to allow any conclusion about variant significance. To our knowledge, no occurrence of c.1834G>A in individuals affected with TNXB-related conditions and no experimental evidence demonstrating its impact on protein function have been reported. ClinVar contains an entry for this variant (Variation ID: 1722925). Based on the evidence outlined above, the variant was classified as uncertain significance.

Mayo Clinic Laboratories, Mayo Clinic
Classification: Uncertain significance. Last evaluated: 2025-02-27. Review status: criteria provided, single submitter. Criteria: ACMG Guidelines, 2015. Collection method: clinical testing. Allele origin: germline. Observed: 1 variant allele.
Comment: BP4

Ambry Genetics
Classification: Uncertain significance for Cardiovascular phenotype. Last evaluated: 2024-04-29. Review status: criteria provided, single submitter. Criteria: Ambry Variant Classification Scheme 2023. Collection method: clinical testing. Allele origin: germline.

GeneDx
Classification: Uncertain significance. Last evaluated: 2022-05-03. Review status: criteria provided, single submitter. Criteria: GeneDx Variant Classification Process June 2021. Collection method: clinical testing. Allele origin: germline. Affected: yes.
Comment: Not observed at significant frequency in large population cohorts (gnomAD); In silico analysis supports that this missense variant does not alter protein structure/function; Has not been previously published as pathogenic or benign to our knowledge